The following is an entry in ClinVar:

NM_000329.3(RPE65):c.676G>A (p.Val226Ile)

Gene: RPE65 (retinoid isomerohydrolase RPE65; minus strand). Cytogenetic location: 1p31.3.
Variant type: single nucleotide variant.
Coding change: c.676G>A on transcript NM_000329.3 (MANE Select); coding-DNA position 676, G replaced by A.
Protein change: p.Val226Ile; replaces valine 226 with isoleucine.
Molecular consequence: missense variant.
Genome position (GRCh38, 1-based): chr1:68,439,610, C>T on the plus strand (G>A on the coding strand, the complement: RPE65 is on the minus strand). VCF-style: chr1-68439610-C-T. GRCh37 (hg19) VCF-style: chr1-68905293-C-T.
Other names: short protein forms V226I.
Identifiers: ClinVar variation 972295 (VCV000972295.16), dbSNP rs750099371, ClinGen allele CA902426.

ClinVar aggregate classification (germline): Uncertain significance. Review status: criteria provided, multiple submitters, no conflicts (2 of 4 stars). 5 submissions from 5 submitters: Uncertain significance (4). 1 of the submissions does not count toward it. Last evaluated 2025-07-19.

Conditions:
Retinitis pigmentosa 20 (RP20). Identifiers: Orphanet 791, MedGen C3151086, MONDO:0013425, OMIM 613794.
Leber congenital amaurosis 2 (LCA2). Also called: Autosomal Recessive RPE65-Related Retinal Degeneration; AMAUROSIS CONGENITA OF LEBER II. Identifiers: Orphanet 65, MedGen C1859844, MONDO:0008765, OMIM 204100. Disease mechanism: loss of function.
Leber congenital amaurosis (LCA). Also called: Leber's amaurosis. Identifiers: Orphanet 65, MedGen C0339527, MeSH D057130, MONDO:0018998.

Allele frequency attached by ClinVar (database versions not stated): gnomAD exomes 0.00004; ExAC 0.00005; gnomAD 0.00007; TOPMed 0.00009.

Submissions (5):

Labcorp Genetics (formerly Invitae), Labcorp
Classification: Uncertain significance for Leber congenital amaurosis 2; Retinitis pigmentosa 20. Last evaluated: 2025-07-19. Review status: criteria provided, single submitter. Criteria: Invitae Variant Classification Sherloc (09022015). Collection method: clinical testing. Allele origin: germline.
Comment: This sequence change replaces valine, which is neutral and non-polar, with isoleucine, which is neutral and non-polar, at codon 226 of the RPE65 protein (p.Val226Ile). This variant is present in population databases (rs750099371, gnomAD 0.006%). This missense change has been observed in individual(s) with Leber congenital amaurosis (PMID: 28224992). ClinVar contains an entry for this variant (Variation ID: 972295). Invitae Evidence Modeling of protein sequence and biophysical properties (such as structural, functional, and spatial information, amino acid conservation, physicochemical variation, residue mobility, and thermodynamic stability) indicates that this missense variant is not expected to disrupt RPE65 protein function with a negative predictive value of 80%. In summary, the available evidence is currently insufficient to determine the role of this variant in disease. Therefore, it has been classified as a Variant of Uncertain Significance.

Women's Health and Genetics/Laboratory Corporation of America, LabCorp
Classification: Uncertain significance. Last evaluated: 2025-04-16. Review status: criteria provided, single submitter. Criteria: LabCorp Variant Classification Summary - May 2015. Collection method: clinical testing. Allele origin: germline.
Comment: Variant summary: RPE65 c.676G>A (p.Val226Ile) results in a conservative amino acid change in the encoded protein sequence. Three of five in-silico tools predict a benign effect of the variant on protein function. The variant allele was found at a frequency of 4e-05 in 251400 control chromosomes (gnomAD). This frequency is not significantly higher than estimated for a pathogenic variant in RPE65 causing Leber Congenital Amaurosis (4e-05 vs 0.0014), allowing no conclusion about variant significance. c.676G>A has been observed in at least an affected with Leber Congenital Amaurosis. However, a second variant has not been identified in this individual (Haer-Wigman_2017). This report does not provide unequivocal conclusions about association of the variant with Leber Congenital Amaurosis. To our knowledge, no experimental evidence demonstrating an impact on protein function has been reported. The following publications have been ascertained in the context of this evaluation (PMID: 28224992, 36950921). ClinVar contains an entry for this variant (Variation ID: 972295). Based on the evidence outlined above, the variant was classified as uncertain significance.

CeGaT Center for Human Genetics Tuebingen
Classification: Uncertain significance. Last evaluated: 2025-04-01. Review status: criteria provided, single submitter. Criteria: CeGaT Center For Human Genetics Tuebingen Variant Classification Criteria Version 2. Collection method: clinical testing. Allele origin: germline. Affected: yes. Observed: 1 variant allele.
Comment: RPE65: PM2

Blueprint Genetics
Classification: Uncertain significance. Last evaluated: 2023-06-09. Review status: criteria provided, single submitter. Criteria: ACMG Guidelines, 2015. Collection method: clinical testing. Allele origin: germline.

Natera, Inc.
Classification: Uncertain significance for Leber congenital amaurosis. Last evaluated: 2020-07-10. Review status: no assertion criteria provided. Collection method: clinical testing. Allele origin: germline. Not counted in ClinVar's aggregate classification.

Literature cited by the submitters: PubMed 28224992 (cited by Labcorp Genetics (formerly Invitae), Labcorp and Women's Health and Genetics/Laboratory Corporation of America, LabCorp); PubMed 36950921 (cited by Women's Health and Genetics/Laboratory Corporation of America, LabCorp).